The following is an entry in ClinVar:

NM_000204.5(CFI):c.393del (p.Val132fs)

Gene: CFI (complement factor I; minus strand). Cytogenetic location: 4q25.
Variant type: Deletion.
Coding change: c.393del on transcript NM_000204.5 (MANE Select); coding-DNA position 393, one base deleted (T; older notation c.393delT).
Protein change: p.Val132fs; shifts the reading frame from valine 132.
Molecular consequence: frameshift variant. On other transcripts: non-coding transcript variant (3), intron variant (1).
Genome position (GRCh38, 1-based): chr4:109,764,626, A deleted on the plus strand (T on the coding strand, the reverse complement: CFI is on the minus strand); the first of 2 consecutive A bases (chr4:109,764,626-109,764,627); deleting either gives the same sequence. VCF-style (leftmost placement, unchanged base first): chr4-109764625-CA-C. GRCh37 (hg19) VCF-style: chr4-110685781-CA-C.
Other names: c.393del, p.Val132fs (NM_001318057.2, NM_001331035.2, NM_001375278.1 and 10 more transcripts); c.-127-2934del (NM_001375284.1); short protein forms V132fs.
Identifiers: ClinVar variation 4720110 (VCV004720110.1).
Genomic context (GRCh38, chr4:109,764,625, plus strand): 5'-CGTTGGCTTCCCTCATGCTCCAGCTGCTTTTGCATATGAACATTGTCTTATCTTGGTCCA[CA>C]AGTTTTACTTCAACTATTCCCTCTGAATCTGTATTTCCATGCTTCAAGGAAACACTAAAC-3'

ClinVar aggregate classification (germline): Pathogenic (1 of 4 stars; one submission).

Submission:

Labcorp Genetics (formerly Invitae), Labcorp
Classification: Pathogenic. Last evaluated: 2025-05-23. Review status: criteria provided, single submitter. Criteria: Invitae Variant Classification Sherloc (09022015). Collection method: clinical testing. Allele origin: germline.
Comment: This sequence change creates a premature translational stop signal (p.Val132Trpfs*16) in the CFI gene. It is expected to result in an absent or disrupted protein product. Loss-of-function variants in CFI are known to be pathogenic (PMID: 15917334, 16621965, 19065647, 20016463, 22710145). This variant is not present in population databases (gnomAD no frequency). This variant has not been reported in the literature in individuals affected with CFI-related conditions. Algorithms developed to predict the effect of sequence changes on RNA splicing suggest that this variant may disrupt the consensus splice site. For these reasons, this variant has been classified as Pathogenic.

Literature cited by the submitters: PubMed 15917334; PubMed 16621965; PubMed 19065647; PubMed 20016463; PubMed 22710145.